The following is an entry in ClinVar:

NM_001371596.2(MFSD8):c.233G>A (p.Trp78Ter)

Gene: MFSD8 (major facilitator superfamily domain containing 8; minus strand). Cytogenetic location: 4q28.2.
Variant type: single nucleotide variant.
Coding change: c.233G>A on transcript NM_001371596.2 (MANE Select); coding-DNA position 233, G replaced by A.
Protein change: p.Trp78Ter; replaces tryptophan 78 with a stop codon.
Molecular consequence: nonsense.
Genome position (GRCh38, 1-based): chr4:127,943,958, C>T on the plus strand (G>A on the coding strand, the complement: MFSD8 is on the minus strand). VCF-style: chr4-127943958-C-T. GRCh37 (hg19) VCF-style: chr4-128865113-C-T.
Other names: c.233G>A, p.Trp78Ter (NM_001363520.3, NM_001363521.3, NM_001371591.2 and 5 more transcripts); c.98G>A, p.Trp33Ter (NM_001371590.2, NM_001371595.1, NM_001410765.1); c.233G>A (NM_152778.3); short protein forms W78*, W33*.
Identifiers: ClinVar variation 641252 (VCV000641252.10), dbSNP rs1578912362, ClinGen allele CA358177083.

ClinVar aggregate classification (germline): Pathogenic. Review status: criteria provided, multiple submitters, no conflicts (2 of 4 stars). 2 submissions from 2 submitters: Pathogenic (2). Last evaluated 2023-04-09.

Conditions:
Neuronal ceroid lipofuscinosis 7 (CLN7). Also called: MFSD8-Related Neuronal Ceroid-Lipofuscinosis. Identifiers: Orphanet 168491, Orphanet 228366, MedGen C1838571, MONDO:0012588, OMIM 610951.

Allele frequency attached by ClinVar (database versions not stated): gnomAD exomes below 0.00001; gnomAD 0.00001.
gnomAD v4.1: 3 of 1,613,998 alleles (0.00019%); highest among the groups gnomAD compares: Non-Finnish European, 0.00025%; no homozygotes.

Submissions (2):

Labcorp Genetics (formerly Invitae), Labcorp
Classification: Pathogenic for Neuronal ceroid lipofuscinosis 7. Last evaluated: 2023-04-09. Review status: criteria provided, single submitter. Criteria: Invitae Variant Classification Sherloc (09022015). Collection method: clinical testing. Allele origin: germline.
Comment: This sequence change creates a premature translational stop signal (p.Trp78*) in the MFSD8 gene. It is expected to result in an absent or disrupted protein product. Loss-of-function variants in MFSD8 are known to be pathogenic (PMID: 19177532, 25227500, 28586915). For these reasons, this variant has been classified as Pathogenic. ClinVar contains an entry for this variant (Variation ID: 641252). This premature translational stop signal has been observed in individual(s) with retinal dystrophy (PMID: 28586915). This variant is not present in population databases (gnomAD no frequency).

Revvity Omics, Revvity
Classification: Pathogenic. Last evaluated: 2022-06-03. Review status: criteria provided, single submitter. Criteria: ACMG Guidelines, 2015. Collection method: clinical testing. Allele origin: germline.

Literature cited by the submitters: PubMed 19177532 (cited by Labcorp Genetics (formerly Invitae), Labcorp); PubMed 25227500 (cited by Labcorp Genetics (formerly Invitae), Labcorp); PubMed 28586915 (cited by Labcorp Genetics (formerly Invitae), Labcorp).